The following is an entry in ClinVar:

NM_001110556.2(FLNA):c.6991G>A (p.Asp2331Asn)

Gene: FLNA (filamin A; minus strand). Cytogenetic location: Xq28.
Variant type: single nucleotide variant.
Coding change: c.6991G>A on transcript NM_001110556.2 (MANE Select); coding-DNA position 6991, G replaced by A.
Protein change: p.Asp2331Asn; replaces aspartic acid 2331 with asparagine.
Molecular consequence: missense variant.
Genome position (GRCh38, 1-based): chrX:154,351,613, C>T on the plus strand (G>A on the coding strand, the complement: FLNA is on the minus strand). VCF-style: chrX-154351613-C-T. GRCh37 (hg19) VCF-style: chrX-153579981-C-T.
Other names: c.6967G>A, p.Asp2323Asn (NM_001456.4); short protein forms D2323N, D2331N.
Identifiers: ClinVar variation 1015405 (VCV001015405.12), dbSNP rs371689052, ClinGen allele CA10559978.

ClinVar aggregate classification (germline): Conflicting classifications of pathogenicity. Review status: criteria provided, conflicting classifications (1 of 4 stars). 4 submissions from 4 submitters: Uncertain significance (2); Benign (1); Likely benign (1). Last evaluated 2026-01-12.

Conditions:
Familial thoracic aortic aneurysm and aortic dissection (TAAD). Also called: Thoracic aortic aneurysms and dissections. Identifiers: Orphanet 91387, MedGen C4707243, MONDO:0019625.
Oto-palato-digital syndrome, type II (OPD2). Also called: FACIOPALATOOSSEOUS SYNDROME; OPD II SYNDROME; Otopalatodigital Syndrome, Type II; Otopalatodigital Syndrome Type 2 (FLNA-OPD2). Identifiers: Orphanet 669, Orphanet 90652, MedGen C1844696, MONDO:0010571, OMIM 304120.
Heterotopia, periventricular, X-linked dominant (PVNH1). Also called: X-linked periventricular heterotopia; PERIVENTRICULAR NODULAR HETEROTOPIA 4; HETEROTOPIA, PERIVENTRICULAR, 1; PERIVENTRICULAR NODULAR HETEROTOPIA 1. Identifiers: Orphanet 2149, Orphanet 82004, MedGen C1848213, MONDO:0010233, OMIM 300049.
Melnick-Needles syndrome (MNS). Also called: MELNICK-NEEDLES OSTEODYSPLASTY; OSTEODYSPLASTY OF MELNICK AND NEEDLES; Melnick-Needles Syndrome (FLNA-MNS). Identifiers: Orphanet 2484, MedGen C0025237, MONDO:0010650, OMIM 309350.
Frontometaphyseal dysplasia (FMD1). Identifiers: Orphanet 1826, MedGen C0265293, MONDO:0015942.

Allele frequency attached by ClinVar (database versions not stated): gnomAD exomes 0.00002 and 0.00003; gnomAD 0.00004 and 0.00005; ExAC 0.00005; TOPMed 0.00006; ESP Exome Variant Server 0.00010.
gnomAD v4.1: 24 of 1,206,791 alleles (0.002%); highest among the groups gnomAD compares: African/African-American, 0.021%; no homozygotes.

Submissions (4):

Labcorp Genetics (formerly Invitae), Labcorp
Classification: Benign for Oto-palato-digital syndrome, type II; Heterotopia, periventricular, X-linked dominant; Frontometaphyseal dysplasia; Melnick-Needles syndrome. Last evaluated: 2026-01-12. Review status: criteria provided, single submitter. Criteria: Invitae Variant Classification Sherloc (09022015). Collection method: clinical testing. Allele origin: germline.

Ambry Genetics
Classification: Uncertain significance for Familial thoracic aortic aneurysm and aortic dissection. Last evaluated: 2025-09-08. Review status: criteria provided, single submitter. Criteria: Ambry Variant Classification Scheme 2023. Collection method: clinical testing. Allele origin: germline.
Comment: The p.D2323N variant (also known as c.6967G>A), located in coding exon 41 of the FLNA gene, results from a G to A substitution at nucleotide position 6967. The aspartic acid at codon 2323 is replaced by asparagine, an amino acid with highly similar properties. This variant was reported in individual(s) with features consistent with disorders of sex development (Zidoune H et al. Front Genet, 2022 Aug;13:900574). Based on data from gnomAD, the A allele has an overall frequency of <0.01% (8/201862) total alleles studied, with 4 hemizygote(s) observed. The highest observed frequency was 0.017% (3/17994) of African alleles. This amino acid position is highly conserved in available vertebrate species. In addition, this alteration is predicted to be tolerated by in silico analysis. Based on the available evidence, the clinical significance of this variant remains unclear.

GeneDx
Classification: Uncertain significance. Last evaluated: 2023-12-07. Review status: criteria provided, single submitter. Criteria: GeneDx Variant Classification Process June 2021. Collection method: clinical testing. Allele origin: germline. Affected: yes.
Comment: Reported hemizygous in an individual with micropenis, penoscrotal hypospadias, and hypoplastic scrotum (PMID: 36110220); In silico analysis supports that this missense variant has a deleterious effect on protein structure/function; This variant is associated with the following publications: (PMID: 36110220)

Blueprint Genetics
Classification: Likely benign. Last evaluated: 2018-11-29. Review status: criteria provided, single submitter. Criteria: ACMG Guidelines, 2015. Collection method: clinical testing. Allele origin: germline.

Literature cited by the submitters: PubMed 36110220 (cited by Ambry Genetics).